The following is an entry in ClinVar:

NM_004260.4(RECQL4):c.1592C>A (p.Ser531Tyr)

Gene: RECQL4 (RecQ like helicase 4; minus strand). Cytogenetic location: 8q24.3.
Variant type: single nucleotide variant.
Coding change: c.1592C>A on transcript NM_004260.4 (MANE Select); coding-DNA position 1592, C replaced by A.
Protein change: p.Ser531Tyr; replaces serine 531 with tyrosine.
Molecular consequence: missense variant.
Genome position (GRCh38, 1-based): chr8:144,514,964, G>T on the plus strand (C>A on the coding strand, the complement: RECQL4 is on the minus strand). VCF-style: chr8-144514964-G-T. GRCh37 (hg19) VCF-style: chr8-145740348-G-T.
Other names: short protein forms S531Y.
Identifiers: ClinVar variation 659853 (VCV000659853.5), dbSNP rs774637277, ClinGen allele CA4948791.

ClinVar aggregate classification (germline): Uncertain significance (1 of 4 stars; one submission).

Conditions:
Baller-Gerold syndrome (BGS). Also called: CRANIOSYNOSTOSIS WITH RADIAL DEFECTS. Identifiers: Orphanet 1225, MedGen C0265308, MONDO:0009039, OMIM 218600.

Allele frequency attached by ClinVar (database versions not stated): ExAC 0.00001.

Submission:

Labcorp Genetics (formerly Invitae), Labcorp
Classification: Uncertain significance for Baller-Gerold syndrome. Last evaluated: 2023-09-27. Review status: criteria provided, single submitter. Criteria: Invitae Variant Classification Sherloc (09022015). Collection method: clinical testing. Allele origin: germline.
Comment: In summary, the available evidence is currently insufficient to determine the role of this variant in disease. Therefore, it has been classified as a Variant of Uncertain Significance. Advanced modeling of protein sequence and biophysical properties (such as structural, functional, and spatial information, amino acid conservation, physicochemical variation, residue mobility, and thermodynamic stability) performed at Invitae indicates that this missense variant is expected to disrupt RECQL4 protein function. This sequence change replaces serine, which is neutral and polar, with tyrosine, which is neutral and polar, at codon 531 of the RECQL4 protein (p.Ser531Tyr). This variant is present in population databases (rs774637277, gnomAD 0.0009%). This variant has not been reported in the literature in individuals affected with RECQL4-related conditions. ClinVar contains an entry for this variant (Variation ID: 659853).